The following is an entry in ClinVar:

ClinVar aggregate classification (germline): Conflicting classifications of pathogenicity. Review status: criteria provided, conflicting classifications (1 of 4 stars). 3 submissions from 3 submitters: Uncertain significance (2); Likely benign (1). Last evaluated 2026-01-19.

Conditions:
Inborn genetic diseases. Identifiers: MedGen C0950123, MeSH D030342.
Developmental and epileptic encephalopathy, 12 (DEE12). Identifiers: MedGen C3150988, MONDO:0013389, OMIM 613722.

Allele frequency attached by ClinVar (database versions not stated): TOPMed 0.00002; gnomAD exomes 0.00005; ExAC 0.00008; 1000 Genomes Project 30x 0.00016; 1000 Genomes Project 0.00399.

Submissions (3):

Labcorp Genetics (formerly Invitae), Labcorp
Classification: Likely benign for Developmental and epileptic encephalopathy, 12. Last evaluated: 2026-01-19. Review status: criteria provided, single submitter. Criteria: Invitae Variant Classification Sherloc (09022015). Collection method: clinical testing. Allele origin: germline.

Ambry Genetics
Classification: Uncertain significance for Inborn genetic diseases. Last evaluated: 2024-07-23. Review status: criteria provided, single submitter. Criteria: Ambry Variant Classification Scheme 2023. Collection method: clinical testing. Allele origin: germline.
Comment: The c.1387-48_1387-32del17 intronic variant begins 48 nucleotides before exon 16 (coding exon 15) of the PNKP gene. This variant results from a deletion of 17 nucleotides at positions c.1387-48 to c.1387-32. Based on data from gnomAD, this allele has an overall frequency of <0.001% (11/232560) total alleles studied. The highest observed frequency was <0.001% (4/17658) of East Asian alleles. This nucleotide position is poorly conserved in available vertebrate species. Based on insufficient or conflicting evidence, the clinical significance of this alteration remains unclear.

Revvity Omics, Revvity
Classification: Uncertain significance. Last evaluated: 2022-06-13. Review status: criteria provided, single submitter. Criteria: ACMG Guidelines, 2015. Collection method: clinical testing. Allele origin: germline.

NM_007254.4(PNKP):c.1387-48_1387-32del

Gene: PNKP (polynucleotide kinase 3'-phosphatase; minus strand). Cytogenetic location: 19q13.33.
Variant type: Deletion.
Coding change: c.1387-48_1387-32del on transcript NM_007254.4 (MANE Select); 48 bases into the intron before coding-DNA position 1387 through 32 bases into the intron before coding-DNA position 1387, 17 bases deleted (CTCCTCCCCTGACCCCT).
Molecular consequence: intron variant.
Genome position (GRCh38, 1-based): chr19:49,861,542-49,861,558, AGGGGTCAGGGGAGGAG deleted on the plus strand (CTCCTCCCCTGACCCCT on the coding strand, the reverse complement: PNKP is on the minus strand). VCF-style (leftmost placement, unchanged base first): chr19-49861541-CAGGGGTCAGGGGAGGAG-C. GRCh37 (hg19) VCF-style: chr19-50364798-CAGGGGTCAGGGGAGGAG-C.
Other names: c.1387-48_1387-32del17 (NM_007254.3).
Identifiers: ClinVar variation 1357333 (VCV001357333.11), dbSNP rs537912514, ClinGen allele CA9586409.